The following is an entry in ClinVar:

ClinVar aggregate classification (germline): Pathogenic (1 of 4 stars; one submission).

Conditions:
Mucopolysaccharidosis, MPS-II (MPS2). Also called: Hunter Syndrome; IDURONATE 2-SULFATASE DEFICIENCY; Mucopolysaccharidosis Type II; Mucopolysaccharidosis type 2; Attenuated MPS (subtype; formerly known as mild MPS II); Severe MPS II. Identifiers: Orphanet 580, Orphanet 79388, MedGen C0026705, MONDO:0010674, OMIM 309900.

Submission:

Laboratory of Diagnosis and Therapy of Lysosomal Disorders, University of Padova
Classification: Pathogenic for Mucopolysaccharidosis, MPS-II. Last evaluated: 2024-06-07. Review status: criteria provided, single submitter. Criteria: ACMG Guidelines, 2015. Collection method: literature only. Allele origin: germline. Affected: yes. Observed: 3 variant alleles.
Comment: Null variant (PVS1_VeryStrong), De novo (PS2_Moderate), Absent from controls (or at low frequency) in gnomAD database (PM2_Moderate), Patient’s phenotype or family history highly specific for the disease (PP4_Strong)

Classification method: ACMG Guidelines [PMID:25741868] with modifications

Literature cited by the submitters: PubMed 35005816; PubMed 27789399; PubMed 27789398.

NM_000202.8(IDS):c.85C>T (p.Gln29Ter)

Genes: IDS (iduronate 2-sulfatase; minus strand), LOC130068781 (ATAC-STARR-seq lymphoblastoid active region 30015; plus strand). Cytogenetic location: Xq28.
Variant type: single nucleotide variant.
Coding change: c.85C>T on transcript NM_000202.8 (MANE Select); coding-DNA position 85, C replaced by T.
Protein change: p.Gln29Ter; replaces glutamine 29 with a stop codon.
Molecular consequence: nonsense. On other transcripts: 5 prime UTR variant (1), non-coding transcript variant (1).
Genome position (GRCh38, 1-based): chrX:149,505,053, G>A on the plus strand (C>T on the coding strand, the complement: IDS is on the minus strand). VCF-style: chrX-149505053-G-A. GRCh37 (hg19) VCF-style: chrX-148586583-G-A.
Other names: c.-142C>T (NM_001166550.4); c.85C>T, p.Gln29Ter (NM_006123.5); short protein forms Q29*.
Identifiers: ClinVar variation 3255690 (VCV003255690.2).
Genomic context (GRCh38, chrX:149,505,053, plus strand): 5'-GGAGGAAGGGAGAAGAGATGGCAGGGAGGGCGTGGGCGGCACCTGTGGTCGAGTTGGCCT[G>A]CGTTTCGGATCCGAGGGCGACGCAGACGGAGCTCAGAACCAGACCCAGCCAGAGAAGGCC-3'